The following is an entry in ClinVar:

ClinVar aggregate classification (germline): Benign/Likely benign. Review status: criteria provided, multiple submitters, no conflicts (2 of 4 stars). 4 submissions from 4 submitters: Benign (2); Likely benign (1). 1 of the submissions does not count toward it. Last evaluated 2025-10-21.

Conditions:
RNF213-related disorder. Also called: RNF213-related condition.

Allele frequency attached by ClinVar (database versions not stated): TOPMed 0.00112; ESP Exome Variant Server 0.00131; gnomAD exomes 0.00203; ExAC 0.00212; 1000 Genomes Project 0.00280; 1000 Genomes Project 30x 0.00297.
gnomAD v4.1: 2,873 of 1,614,106 alleles (0.18%); highest among the groups gnomAD compares: South Asian, 0.68%; 10 homozygotes.

Submissions (4):

Mayo Clinic Laboratories, Mayo Clinic
Classification: Benign. Last evaluated: 2025-10-21. Review status: criteria provided, single submitter. Criteria: ACMG Guidelines, 2015. Collection method: clinical testing. Allele origin: germline. Observed: 1 variant allele.
Comment: BS1, BS2, BP4_strong

Labcorp Genetics (formerly Invitae), Labcorp
Classification: Benign. Last evaluated: 2025-10-02. Review status: criteria provided, single submitter. Criteria: Invitae Variant Classification Sherloc (09022015). Collection method: clinical testing. Allele origin: germline.

Blueprint Genetics
Classification: Likely benign. Last evaluated: 2024-11-12. Review status: criteria provided, single submitter. Criteria: ACMG Guidelines, 2015. Collection method: clinical testing. Allele origin: germline.

PreventionGenetics, part of Exact Sciences
Classification: Likely benign for RNF213-related condition. Last evaluated: 2024-04-05. Review status: no assertion criteria provided. Collection method: clinical testing. Allele origin: germline. Not counted in ClinVar's aggregate classification.
Comment: This variant is classified as likely benign based on ACMG/AMP sequence variant interpretation guidelines (Richards et al. 2015 PMID: 25741868, with internal and published modifications).

NM_001256071.3(RNF213):c.11821G>A (p.Val3941Ile)

Genes: RNF213-AS1 (RNF213 antisense RNA 1; minus strand), RNF213 (ring finger protein 213; plus strand). Cytogenetic location: 17q25.3.
Variant type: single nucleotide variant.
Coding change: c.11821G>A on transcript NM_001256071.3 (MANE Select); coding-DNA position 11821, G replaced by A.
Protein change: p.Val3941Ile; replaces valine 3941 with isoleucine.
Molecular consequence: missense variant.
Genome position (GRCh38, 1-based): chr17:80,364,503, G>A. VCF-style: chr17-80364503-G-A. GRCh37 (hg19) VCF-style: chr17-78338303-G-A.
Other names: p.Val3941Ile; short protein forms V3941I.
Identifiers: ClinVar variation 718801 (VCV000718801.12), dbSNP rs147900479, ClinGen allele CA8821969.